The following is an entry in ClinVar:

ClinVar aggregate classification (germline): Uncertain significance (1 of 4 stars; one submission).

Submission:

Illumina Laboratory Services, Illumina
Classification: Uncertain significance. Last evaluated: 2021-09-22. Review status: criteria provided, single submitter. Criteria: ICSLVariantClassificationCriteria RUGD 01 April 2020. Collection method: clinical testing. Allele origin: unknown.
Comment: The SLC4A8 c.1460G>T (p.Cys487Phe) variant is a missense variant. A literature search was performed for the gene, cDNA change, and amino acid change. No publications were found based on this search. This variant is not found in version 2.1.1 or version 3.1.1 of the Genome Aggregation Database despite its location in a region of good sequencing coverage, which suggest the variant is rare. This variant lies within a helical transmembrane domain, though the function of this region has not been established. Based on the available evidence, the p.Cys487Phe variant is classified as a variant of uncertain significance.

NM_001039960.3(SLC4A8):c.1460G>T (p.Cys487Phe)

Gene: SLC4A8 (solute carrier family 4 member 8; plus strand). Cytogenetic location: 12q13.13.
Variant type: single nucleotide variant.
Coding change: c.1460G>T on transcript NM_001039960.3 (MANE Select); coding-DNA position 1460, G replaced by T.
Protein change: p.Cys487Phe; replaces cysteine 487 with phenylalanine.
Molecular consequence: missense variant.
Genome position (GRCh38, 1-based): chr12:51,469,724, G>T. VCF-style: chr12-51469724-G-T. GRCh37 (hg19) VCF-style: chr12-51863508-G-T.
Other names: c.1301G>T, p.Cys434Phe (NM_001258401.3, NM_001258403.2, NM_001267615.2); c.1460G>T, p.Cys487Phe (NM_001258402.2); short protein forms C434F, C487F.
Identifiers: ClinVar variation 1299440 (VCV001299440.4), dbSNP rs2138293615, ClinGen allele CA384872348.